The following is an entry in ClinVar:

ClinVar aggregate classification (germline): Uncertain significance. Review status: criteria provided, multiple submitters, no conflicts (2 of 4 stars). 2 submissions from 2 submitters: Uncertain significance (2). Last evaluated 2025-09-12.

Conditions:
Brugada syndrome 8 (BRGDA8). Identifiers: Orphanet 130, MedGen C2751083, MONDO:0013148, OMIM 613123.
Cardiovascular phenotype. Identifiers: MedGen CN230736.

gnomAD v4.1: 1 of 1,541,528 alleles (0.000065%); highest among the groups gnomAD compares: Non-Finnish European, 0.000087%; no homozygotes.

Submissions (2):

Labcorp Genetics (formerly Invitae), Labcorp
Classification: Uncertain significance for Brugada syndrome 8. Last evaluated: 2025-09-12. Review status: criteria provided, single submitter. Criteria: Invitae Variant Classification Sherloc (09022015). Collection method: clinical testing. Allele origin: germline.
Comment: This sequence change replaces glycine, which is neutral and non-polar, with alanine, which is neutral and non-polar, at codon 1097 of the HCN4 protein (p.Gly1097Ala). This variant is not present in population databases (gnomAD no frequency). This variant has not been reported in the literature in individuals affected with HCN4-related conditions. ClinVar contains an entry for this variant (Variation ID: 3224724). Invitae Evidence Modeling of protein sequence and biophysical properties (such as structural, functional, and spatial information, amino acid conservation, physicochemical variation, residue mobility, and thermodynamic stability) indicates that this missense variant is not expected to disrupt HCN4 protein function with a negative predictive value of 95%. In summary, the available evidence is currently insufficient to determine the role of this variant in disease. Therefore, it has been classified as a Variant of Uncertain Significance.

Ambry Genetics
Classification: Uncertain significance for Cardiovascular phenotype. Last evaluated: 2023-01-30. Review status: criteria provided, single submitter. Criteria: Ambry Variant Classification Scheme 2023. Collection method: clinical testing. Allele origin: germline.
Comment: The p.G1097A variant (also known as c.3290G>C), located in coding exon 8 of the HCN4 gene, results from a G to C substitution at nucleotide position 3290. The glycine at codon 1097 is replaced by alanine, an amino acid with similar properties. This amino acid position is conserved. In addition, this alteration is predicted to be tolerated by in silico analysis. Since supporting evidence is limited at this time, the clinical significance of this alteration remains unclear.

NM_005477.3(HCN4):c.3290G>C (p.Gly1097Ala)

Gene: HCN4 (hyperpolarization activated cyclic nucleotide gated potassium channel 4; minus strand). Cytogenetic location: 15q24.1.
Variant type: single nucleotide variant.
Coding change: c.3290G>C on transcript NM_005477.3 (MANE Select); coding-DNA position 3290, G replaced by C.
Protein change: p.Gly1097Ala; replaces glycine 1097 with alanine.
Molecular consequence: missense variant.
Genome position (GRCh38, 1-based): chr15:73,322,803, C>G on the plus strand (G>C on the coding strand, the complement: HCN4 is on the minus strand). VCF-style: chr15-73322803-C-G. GRCh37 (hg19) VCF-style: chr15-73615144-C-G.
Other names: short protein forms G1097A.
Identifiers: ClinVar variation 3224724 (VCV003224724.2), dbSNP rs1354550200, ClinGen allele CA393085763.